The following is an entry in ClinVar:

ClinVar aggregate classification (germline): Uncertain significance (1 of 4 stars; one submission).

Submission:

CeGaT Center for Human Genetics Tuebingen
Classification: Uncertain significance. Last evaluated: 2025-11-01. Review status: criteria provided, single submitter. Criteria: CeGaT Center For Human Genetics Tuebingen Variant Classification Criteria Version 2. Collection method: clinical testing. Allele origin: germline. Affected: yes. Observed: 1 variant allele.
Comment: TNR: PM2, BP4

NM_003285.3(TNR):c.138G>C (p.Glu46Asp)

Gene: TNR (tenascin R; minus strand). Cytogenetic location: 1q25.1.
Variant type: single nucleotide variant.
Coding change: c.138G>C on transcript NM_003285.3 (MANE Select); coding-DNA position 138, G replaced by C.
Protein change: p.Glu46Asp; replaces glutamic acid 46 with aspartic acid.
Molecular consequence: missense variant. On other transcripts: 5 prime UTR variant (1).
Genome position (GRCh38, 1-based): chr1:175,406,577, C>G on the plus strand (G>C on the coding strand, the complement: TNR is on the minus strand). VCF-style: chr1-175406577-C-G. GRCh37 (hg19) VCF-style: chr1-175375713-C-G.
Other names: c.-758G>C (NM_001328635.2); short protein forms E46D.
Identifiers: ClinVar variation 4535297 (VCV004535297.6).